The following is an entry in ClinVar:

ClinVar aggregate classification (germline): Uncertain significance (1 of 4 stars; one submission).

Conditions:
GATAD2A-related disorder.

Submission:

3billion
Classification: Uncertain significance for GATAD2A-related disorder. Last evaluated: 2025-12-11. Review status: criteria provided, single submitter. Criteria: ACMG Guidelines, 2015. Collection method: clinical testing. Allele origin: germline. Affected: yes.
Comment: The variant is not observed in the gnomAD v4.1.0 dataset. Predicted Consequence/Location: Intron variant In silico tools predict the variant to alter splicing and produce an abnormal transcript [SpliceAI: 0.27 (>=0.2, moderate evidence for spliceogenicity)]. Therefore, this variant is classified as VUS according to the recommendation of ACMG/AMP guideline.

NM_001384528.1(GATAD2A):c.-7+21975T>C

Gene: GATAD2A (GATA zinc finger domain containing 2A; plus strand). Cytogenetic location: 19p13.11.
Variant type: single nucleotide variant.
Coding change: c.-7+21975T>C on transcript NM_001384528.1 (MANE Select); 21975 bases into the intron after 7 bases upstream of the start codon, T replaced by C.
Molecular consequence: intron variant. On other transcripts: splice donor variant (6).
Genome position (GRCh38, 1-based): chr19:19,427,994, T>C. VCF-style: chr19-19427994-T-C. GRCh37 (hg19) VCF-style: chr19-19538803-T-C.
Other names: c.-91+2T>C (NM_001384523.1, NM_001384526.1); c.-7+2T>C (NM_001384517.1, NM_001384534.1); c.-177-8137T>C (NM_001384516.1, NM_001384531.1); c.-403-8137T>C (NM_001384521.1); c.-313-8137T>C (NM_001384522.1); c.-95-8137T>C (NM_001300946.3, NM_001384525.1, NM_001384533.1); c.-90-8137T>C (NM_001384511.1, NM_001384524.1); c.-314-28928T>C (NM_001384515.1); and 10 more.
Identifiers: ClinVar variation 4855333 (VCV004855333.1).